The following is an entry in ClinVar:

NM_005219.5(DIAPH1):c.2107C>A (p.Pro703Thr)

Gene: DIAPH1 (diaphanous related formin 1; minus strand). Cytogenetic location: 5q31.3.
Variant type: single nucleotide variant.
Coding change: c.2107C>A on transcript NM_005219.5 (MANE Select); coding-DNA position 2107, C replaced by A.
Protein change: p.Pro703Thr; replaces proline 703 with threonine.
Molecular consequence: missense variant.
Genome position (GRCh38, 1-based): chr5:141,573,743, G>T on the plus strand (C>A on the coding strand, the complement: DIAPH1 is on the minus strand). VCF-style: chr5-141573743-G-T. GRCh37 (hg19) VCF-style: chr5-140953310-G-T.
Other names: c.2080C>A, p.Pro694Thr (NM_001079812.3); c.2107C>A, p.Pro703Thr (NM_001314007.2); short protein forms P694T, P703T.
Identifiers: ClinVar variation 4784718 (VCV004784718.1).

ClinVar aggregate classification (germline): Uncertain significance (1 of 4 stars; one submission).

Conditions:
Progressive microcephaly-seizures-cortical blindness-developmental delay syndrome. Also called: Seizures, cortical blindness, and microcephaly syndrome. Identifiers: Orphanet 477814, MedGen C5567650, MONDO:0014714, OMIM 616632.
Autosomal dominant nonsyndromic hearing loss 1. Also called: DEAFNESS, AUTOSOMAL DOMINANT 1, WITH OR WITHOUT THROMBOCYTOPENIA; KONIGSMARK SYNDROME. Identifiers: Orphanet 90635, MedGen C1852282, MONDO:0007424, OMIM 124900.

Submission:

Labcorp Genetics (formerly Invitae), Labcorp
Classification: Uncertain significance for Progressive microcephaly-seizures-cortical blindness-developmental delay syndrome; Autosomal dominant nonsyndromic hearing loss 1. Last evaluated: 2025-04-17. Review status: criteria provided, single submitter. Criteria: Invitae Variant Classification Sherloc (09022015). Collection method: clinical testing. Allele origin: germline.
Comment: This sequence change replaces proline, which is neutral and non-polar, with threonine, which is neutral and polar, at codon 703 of the DIAPH1 protein (p.Pro703Thr). This variant is not present in population databases (gnomAD no frequency). This variant has not been reported in the literature in individuals affected with DIAPH1-related conditions. Experimental studies and prediction algorithms are not available or were not evaluated, and the functional significance of this variant is currently unknown. In summary, the available evidence is currently insufficient to determine the role of this variant in disease. Therefore, it has been classified as a Variant of Uncertain Significance.